The following is an entry in ClinVar:

ClinVar aggregate classification (germline): Uncertain significance. Review status: criteria provided, multiple submitters, no conflicts (2 of 4 stars). 2 submissions from 2 submitters: Uncertain significance (2). Last evaluated 2023-12-05.

Conditions:
Hereditary cancer-predisposing syndrome. Also called: Neoplastic Syndromes, Hereditary; Tumor predisposition; Hereditary neoplastic syndrome; Hereditary Cancer Syndrome. Identifiers: Orphanet 140162, MedGen C0027672, MeSH D009386, MONDO:0015356.
Familial adenomatous polyposis 1 (FAP1). Also called: FAMILIAL ADENOMATOUS POLYPOSIS 1, ATTENUATED; POLYPOSIS, ADENOMATOUS INTESTINAL. Identifiers: MedGen C2713442, MONDO:0021056, OMIM 175100. Disease mechanism: loss of function.

Submissions (2):

Color Diagnostics, LLC DBA Color Health
Classification: Uncertain significance for Hereditary cancer-predisposing syndrome. Last evaluated: 2023-12-05. Review status: criteria provided, single submitter. Criteria: ACMG Guidelines, 2015. Collection method: clinical testing. Allele origin: germline.
Comment: This missense variant replaces glutamine with glutamic acid at codon 2291 of the APC protein. Computational prediction suggests that this variant may not impact protein structure and function (internally defined REVEL score threshold <= 0.5, PMID: 27666373). To our knowledge, functional studies have not been reported for this variant. This variant has not been reported in individuals affected with APC-related disorders in the literature. This variant has not been identified in the general population by the Genome Aggregation Database (gnomAD). The available evidence is insufficient to determine the role of this variant in disease conclusively. Therefore, this variant is classified as a Variant of Uncertain Significance.

Labcorp Genetics (formerly Invitae), Labcorp
Classification: Uncertain significance for Familial adenomatous polyposis 1. Last evaluated: 2021-10-28. Review status: criteria provided, single submitter. Criteria: Invitae Variant Classification Sherloc (09022015). Collection method: clinical testing. Allele origin: germline.
Comment: In summary, the available evidence is currently insufficient to determine the role of this variant in disease. Therefore, it has been classified as a Variant of Uncertain Significance. Algorithms developed to predict the effect of missense changes on protein structure and function (SIFT, PolyPhen-2, Align-GVGD) all suggest that this variant is likely to be tolerated. ClinVar contains an entry for this variant (Variation ID: 579160). This variant has not been reported in the literature in individuals affected with APC-related conditions. This variant is not present in population databases (gnomAD no frequency). This sequence change replaces glutamine, which is neutral and polar, with glutamic acid, which is acidic and polar, at codon 2291 of the APC protein (p.Gln2291Glu).

NM_000038.6(APC):c.6871C>G (p.Gln2291Glu)

Gene: APC (APC regulator of Wnt signaling pathway; plus strand). Cytogenetic location: 5q22.2.
Variant type: single nucleotide variant.
Coding change: c.6871C>G on transcript NM_000038.6 (MANE Select); coding-DNA position 6871, C replaced by G.
Protein change: p.Gln2291Glu; replaces glutamine 2291 with glutamic acid.
Molecular consequence: missense variant.
Genome position (GRCh38, 1-based): chr5:112,842,465, C>G. VCF-style: chr5-112842465-C-G. GRCh37 (hg19) VCF-style: chr5-112178162-C-G.
Other names: c.6871C>G, p.Gln2291Glu (NM_001127510.3, NM_001354895.2); c.6817C>G, p.Gln2273Glu (NM_001127511.3); c.6925C>G, p.Gln2309Glu (NM_001354896.2); c.6901C>G, p.Gln2301Glu (NM_001354897.2); c.6796C>G, p.Gln2266Glu (NM_001354898.2); c.6787C>G, p.Gln2263Glu (NM_001354899.2); c.6748C>G, p.Gln2250Glu (NM_001354900.2); c.6694C>G, p.Gln2232Glu (NM_001354901.2); and 5 more; short protein forms Q2273E, Q2291E, Q2165E, Q2190E, Q2200E, Q2232E, Q2263E, Q2266E.
Identifiers: ClinVar variation 579160 (VCV000579160.12), dbSNP rs1561610839, ClinGen allele CA16036327.